The following is an entry in ClinVar:

ClinVar aggregate classification (germline): Uncertain significance (0 of 4 stars; one submission).

Conditions:
PKD1L1-related disorder. Also called: PKD1L1-related condition.

Submission:

PreventionGenetics, part of Exact Sciences
Classification: Uncertain significance for PKD1L1-related condition. Last evaluated: 2024-01-01. Review status: no assertion criteria provided. Collection method: clinical testing. Allele origin: germline.
Comment: The PKD1L1 c.3224_3227delinsATTCAAGAAG variant is predicted to result in an in-frame deletion and insertion. To our knowledge, this variant has not been reported in the literature or in a large population database, indicating this variant is rare. At this time, the clinical significance of this variant is uncertain due to the absence of conclusive functional and genetic evidence.

NM_138295.5(PKD1L1):c.3224_3227delinsATTCAAGAAG (p.Ser1075_Asp1076delinsAsnSerArgSer)

Gene: PKD1L1 (polycystin 1 like 1, transient receptor potential channel interacting; minus strand). Cytogenetic location: 7p12.3.
Variant type: Indel.
Coding change: c.3224_3227delinsATTCAAGAAG on transcript NM_138295.5 (MANE Select); coding-DNA positions 3224 to 3227, GTGA replaced by ATTCAAGAAG.
Protein change: p.Ser1075_Asp1076delinsAsnSerArgSer.
Molecular consequence: inframe indel.
Genome position (GRCh38, 1-based): chr7:47,884,636-47,884,639, TCAC replaced by CTTCTTGAAT on the plus strand (GTGA replaced by ATTCAAGAAG on the coding strand, the reverse complement: PKD1L1 is on the minus strand). VCF-style: chr7-47884636-TCAC-CTTCTTGAAT. GRCh37 (hg19) VCF-style: chr7-47924234-TCAC-CTTCTTGAAT.
Identifiers: ClinVar variation 3040209 (VCV003040209.2), dbSNP rs2484080664, ClinGen allele CA2573050735.